The following is an entry in ClinVar:

ClinVar aggregate classification (germline): Pathogenic (1 of 4 stars; one submission).

Conditions:
Anophthalmia-microphthalmia syndrome. Also called: Anophthalmia/Microphthalmia; Anophthalmia - microphthalmia. Identifiers: Orphanet 98555, MedGen C5680330, MONDO:0020147.

Submission:

Paul Sabatier University EA-4555, Paul Sabatier University
Classification: Pathogenic. Last evaluated: 2013-01-01. Review status: criteria provided, single submitter. Criteria: Chassaing et al. (Genome Res. 2016). Collection method: clinical testing. Allele origin: inherited. Inheritance: Autosomal recessive inheritance. Affected: yes. Observed: 1 compound heterozygote.
Comment: rare variants, predicted damaging in silico (Polyphen-2, SIFT). Compound heterozygosity with a large deletion

NM_022369.4(STRA6):c.1735C>G (p.Pro579Ala)

Gene: STRA6 (signaling receptor and transporter of retinol STRA6; minus strand). Cytogenetic location: 15q24.1.
Variant type: single nucleotide variant.
Coding change: c.1735C>G on transcript NM_022369.4 (MANE Select); coding-DNA position 1735, C replaced by G.
Protein change: p.Pro579Ala; replaces proline 579 with alanine.
Molecular consequence: missense variant.
Genome position (GRCh38, 1-based): chr15:74,180,887, G>C on the plus strand (C>G on the coding strand, the complement: STRA6 is on the minus strand). VCF-style: chr15-74180887-G-C. GRCh37 (hg19) VCF-style: chr15-74473228-G-C.
Other names: c.1735C>G, p.Pro579Ala (NM_001142617.2, NM_001142618.2); c.1708C>G, p.Pro570Ala (NM_001142619.2); c.1846C>G, p.Pro616Ala (NM_001199040.2); c.1780C>G, p.Pro594Ala (NM_001199041.2); c.1852C>G, p.Pro618Ala (NM_001199042.2); short protein forms P579A, P616A, P618A, P594A, P570A.
Identifiers: ClinVar variation 221927 (VCV000221927.1), dbSNP rs372931895, ClinGen allele CA071969.
Genomic context (GRCh38, chr15:74,180,887, plus strand): 5'-TGGTCCTGGGTAGGAGGCTCTGCGCTTGCAGGAGCAGGGAGCAGAAGGCTGTCATGGCTG[G>C]ATGCGACTGGCTGACTTCAATCTTCAAGAAGTTTCGGTACGTGTAGTAGCCTGGGGTGGG-3'
Protein context (NP_071764.3, residues 569-589): FLKIEVSQSH[Pro579Ala]AMTAFCSLLL